The following is an entry in ClinVar:

ClinVar aggregate classification (germline): Likely benign. Review status: criteria provided, multiple submitters, no conflicts (2 of 4 stars). 2 submissions from 2 submitters: Likely benign (2). Last evaluated 2025-02-01.

Conditions:
Developmental and epileptic encephalopathy, 36 (DEE36). Also called: Epileptic encephalopathy, early infantile, 36; Congenital disorder of glycosylation, type Is; ALG13-CDG. Identifiers: Orphanet 324422, MedGen C4317295, MONDO:0010472, OMIM 300884.

Allele frequency attached by ClinVar (database versions not stated): TOPMed below 0.00001; gnomAD 0.00001; gnomAD exomes 0.00003; ExAC 0.00004.
gnomAD v4.1: 16 of 1,183,070 alleles (0.0014%); highest among the groups gnomAD compares: Non-Finnish European, 0.00011%; no homozygotes.

Submissions (2):

CeGaT Center for Human Genetics Tuebingen
Classification: Likely benign. Last evaluated: 2025-02-01. Review status: criteria provided, single submitter. Criteria: CeGaT Center For Human Genetics Tuebingen Variant Classification Criteria Version 2. Collection method: clinical testing. Allele origin: germline. Affected: yes. Observed: 1 variant allele.
Comment: ALG13: BP4

Labcorp Genetics (formerly Invitae), Labcorp
Classification: Likely benign for Developmental and epileptic encephalopathy, 36. Last evaluated: 2024-02-10. Review status: criteria provided, single submitter. Criteria: Invitae Variant Classification Sherloc (09022015). Collection method: clinical testing. Allele origin: germline.

NM_001099922.3(ALG13):c.2705C>T (p.Ser902Leu)

Gene: ALG13 (ALG13 UDP-N-acetylglucosaminyltransferase subunit; plus strand). Cytogenetic location: Xq23.
Variant type: single nucleotide variant.
Coding change: c.2705C>T on transcript NM_001099922.3 (MANE Select); coding-DNA position 2705, C replaced by T.
Protein change: p.Ser902Leu; replaces serine 902 with leucine.
Molecular consequence: missense variant. On other transcripts: intron variant (5).
Genome position (GRCh38, 1-based): chrX:111,744,677, C>T. VCF-style: chrX-111744677-C-T. GRCh37 (hg19) VCF-style: chrX-110987905-C-T.
Other names: c.2471C>T, p.Ser824Leu (NM_001257231.2); c.2383+7798C>T (NM_001257237.2, NM_001257234.2, NM_001257230.2); c.2209+7798C>T (NM_001324293.1); c.2695+7798C>T (NM_001324292.2); short protein forms S902L, S824L.
Identifiers: ClinVar variation 2904343 (VCV002904343.16), dbSNP rs781064025, ClinGen allele CA10493962.